The following is an entry in ClinVar:

NM_006612.6(KIF1C):c.866A>C (p.Gln289Pro)

Genes: KIF1C (kinesin family member 1C; plus strand), LOC126862472 (CDK7 strongly-dependent group 2 enhancer GRCh37_chr17:4906716-4907915; plus strand). Cytogenetic location: 17p13.2.
Variant type: single nucleotide variant.
Coding change: c.866A>C on transcript NM_006612.6 (MANE Select); coding-DNA position 866, A replaced by C.
Protein change: p.Gln289Pro; replaces glutamine 289 with proline.
Molecular consequence: missense variant.
Genome position (GRCh38, 1-based): chr17:5,003,999, A>C. VCF-style: chr17-5003999-A-C. GRCh37 (hg19) VCF-style: chr17-4907294-A-C.
Other names: p.Gln289Pro; short protein forms Q289P.
Identifiers: ClinVar variation 425119 (VCV000425119.90), dbSNP rs146872023, ClinGen allele CA8318771.

ClinVar aggregate classification (germline): Conflicting classifications of pathogenicity. Review status: criteria provided, conflicting classifications (1 of 4 stars). 6 submissions from 6 submitters: Uncertain significance (2); Benign (1); Likely benign (3). Last evaluated 2026-07-01.

Conditions:
Hereditary spastic paraplegia. Also called: Familial spastic paraparesis. Identifiers: Orphanet 685, MedGen C0037773, MONDO:0019064. Disease mechanism: loss of function.
Spastic ataxia 2. Also called: Ataxia, spastic, 2, autosomal recessive. Identifiers: Orphanet 397946, MedGen C1969796, MONDO:0012651, OMIM 611302.

Allele frequency attached by ClinVar (database versions not stated): 1000 Genomes Project 30x 0.00047; 1000 Genomes Project 0.00060; TOPMed 0.00099; gnomAD 0.00105 and 0.00108; gnomAD exomes 0.00111 and 0.00145; ExAC 0.00124; ESP Exome Variant Server 0.00169.

Submissions (6):

CeGaT Center for Human Genetics Tuebingen
Classification: Likely benign. Last evaluated: 2026-07-01. Review status: criteria provided, single submitter. Criteria: CeGaT Center For Human Genetics Tuebingen Variant Classification Criteria Version 2. Collection method: clinical testing. Allele origin: germline. Affected: yes. Observed: 16 variant alleles.
Comment: KIF1C: BS2

Labcorp Genetics (formerly Invitae), Labcorp
Classification: Benign for Spastic ataxia 2. Last evaluated: 2025-12-23. Review status: criteria provided, single submitter. Criteria: Invitae Variant Classification Sherloc (09022015). Collection method: clinical testing. Allele origin: germline.

Mayo Clinic Laboratories, Mayo Clinic
Classification: Likely benign. Last evaluated: 2024-11-21. Review status: criteria provided, single submitter. Criteria: ACMG Guidelines, 2015. Collection method: clinical testing. Allele origin: germline. Observed: 1 variant allele.
Comment: BS1, BS2

Blueprint Genetics
Classification: Uncertain significance. Last evaluated: 2024-11-18. Review status: criteria provided, single submitter. Criteria: ACMG Guidelines, 2015. Collection method: clinical testing. Allele origin: germline.

GeneDx
Classification: Likely benign. Last evaluated: 2020-07-27. Review status: criteria provided, single submitter. Criteria: GeneDx Variant Classification Process June 2021. Collection method: clinical testing. Allele origin: germline. Affected: yes.

Genome Diagnostics Laboratory, The Hospital for Sick Children
Classification: Uncertain significance for Hereditary spastic paraplegia. Last evaluated: 2016-12-12. Review status: criteria provided, single submitter. Criteria: ACMG Guidelines, 2015. Collection method: clinical testing. Allele origin: germline. Affected: yes.

Literature cited by the submitters: PubMed 33624863 (cited by Mayo Clinic Laboratories, Mayo Clinic).